The following is an entry in ClinVar:

NM_001267550.2(TTN):c.14152A>G (p.Lys4718Glu)

Gene: TTN (titin; minus strand). Cytogenetic location: 2q31.2.
Variant type: single nucleotide variant.
Coding change: c.14152A>G on transcript NM_001267550.2 (MANE Select); coding-DNA position 14152, A replaced by G.
Protein change: p.Lys4718Glu; replaces lysine 4718 with glutamic acid.
Molecular consequence: missense variant.
Genome position (GRCh38, 1-based): chr2:178,738,301, T>C on the plus strand (A>G on the coding strand, the complement: TTN is on the minus strand). VCF-style: chr2-178738301-T-C. GRCh37 (hg19) VCF-style: chr2-179603028-T-C.
Other names: p.K4401E:AAA>GAA; c.13201A>G, p.Lys4401Glu (NM_001256850.1); c.13063A>G, p.Lys4355Glu (NM_003319.4); c.10420A>G, p.Lys3474Glu (NM_133378.4); c.13438A>G, p.Lys4480Glu (NM_133432.3); c.13639A>G, p.Lys4547Glu (NM_133437.4); short protein forms K4401E, K4718E, K3474E, K4355E, K4480E, K4547E.
Identifiers: ClinVar variation 203234 (VCV000203234.9), dbSNP rs757119133, ClinGen allele CA311761.

ClinVar aggregate classification (germline): Conflicting classifications of pathogenicity. Review status: criteria provided, conflicting classifications (1 of 4 stars). 5 submissions from 5 submitters: Uncertain significance (4); Likely benign (1). Last evaluated 2026-03-12.

Conditions:
TTN-related disorder. Also called: TTN-related condition; TTN-related disease; TTN-related disorders.
Cardiovascular phenotype. Identifiers: MedGen CN230736.
Dilated cardiomyopathy 1G (CMD1G). Identifiers: Orphanet 154, MedGen C1858763, MONDO:0011400, OMIM 604145.
Autosomal recessive limb-girdle muscular dystrophy type 2J (LGMDR10). Also called: Limb-girdle muscular dystrophy, type 2J; MUSCULAR DYSTROPHY, LIMB-GIRDLE, AUTOSOMAL RECESSIVE 10. Identifiers: Orphanet 140922, MedGen C1837342, MONDO:0012127, OMIM 608807.
Hypertrophic cardiomyopathy 9. Also called: Familial hypertrophic cardiomyopathy 9. Identifiers: MedGen C1861065, MONDO:0013412, OMIM 613765.

Allele frequency attached by ClinVar (database versions not stated): gnomAD exomes 0.00002 and 0.00006; TOPMed 0.00002; ExAC 0.00003; gnomAD 0.00003.
gnomAD v4.1: 83 of 1,613,466 alleles (0.0051%); highest among the groups gnomAD compares: Non-Finnish European, 0.007%; no homozygotes.

Submissions (5):

PreventionGenetics, part of Exact Sciences
Classification: Uncertain significance for TTN-related condition. Last evaluated: 2026-03-12. Review status: criteria provided, single submitter. Criteria: ACMG Guidelines, 2015. Collection method: clinical testing. Allele origin: germline.
Comment: The TTN c.14152A>G variant is predicted to result in the amino acid substitution p.Lys4718Glu. This variant has been reported in an individual with peripartum cardiomyopathy who also carried a TTN frameshift variant (described as c.13201A>G, p.Lys4401Glu in NM_001256850; Table S2; van Spaendonck-Zwarts et al. 2014. PubMed ID: 24558114). This variant is reported in 0.0047% of alleles in individuals of European (Non-Finnish) descent in gnomAD. At this time, the clinical significance of this variant is uncertain due to the absence of conclusive functional and genetic evidence.

KardioGenetik, Herz- und Diabeteszentrum NRW
Classification: Uncertain significance for Hypertrophic cardiomyopathy 9. Last evaluated: 2023-05-31. Review status: criteria provided, single submitter. Criteria: Variant Classification Criteria 5.1 2023. Collection method: clinical testing. Allele origin: unknown. Observed: 1 variant allele.

GeneDx
Classification: Likely benign. Last evaluated: 2020-07-10. Review status: criteria provided, single submitter. Criteria: GeneDx Variant Classification Process June 2021. Collection method: clinical testing. Allele origin: germline. Affected: yes.

Ambry Genetics
Classification: Uncertain significance for Cardiovascular phenotype. Last evaluated: 2018-12-12. Review status: criteria provided, single submitter. Criteria: Ambry Variant Classification Scheme 2023. Collection method: clinical testing. Allele origin: germline.
Comment: The p.K4355E variant (also known as c.13063A>G), located in coding exon 45 of the TTN gene, results from an A to G substitution at nucleotide position 13063. The lysine at codon 4355 is replaced by glutamic acid, an amino acid with similar properties. This variant (reported as p.Lys4401Glu, c.13201A>G) was reported to co-occur with a TTN frameshift alteration in an individual with peripartum cardiomyopathy (van Spaendonck-Zwarts KY et al. Eur. Heart J., 2014 Aug;35:2165-73). This amino acid position is well conserved in available vertebrate species. In addition, this alteration is predicted to be tolerated by in silico analysis. Since supporting evidence is limited at this time, the clinical significance of this alteration remains unclear.

Labcorp Genetics (formerly Invitae), Labcorp
Classification: Uncertain significance for Dilated cardiomyopathy 1G; Autosomal recessive limb-girdle muscular dystrophy type 2J. Last evaluated: 2017-12-04. Review status: criteria provided, single submitter. Criteria: Invitae Variant Classification Sherloc (09022015). Collection method: clinical testing. Allele origin: germline.

Literature cited by the submitters: PubMed 24558114 (cited by Ambry Genetics).